The following is an entry in ClinVar:

NM_173630.4(RTTN):c.1838G>C (p.Gly613Ala)

Gene: RTTN (rotatin; minus strand). Cytogenetic location: 18q22.2.
Variant type: single nucleotide variant.
Coding change: c.1838G>C on transcript NM_173630.4 (MANE Select); coding-DNA position 1838, G replaced by C.
Protein change: p.Gly613Ala; replaces glycine 613 with alanine.
Molecular consequence: missense variant. On other transcripts: 5 prime UTR variant (1).
Genome position (GRCh38, 1-based): chr18:70,166,153, C>G on the plus strand (G>C on the coding strand, the complement: RTTN is on the minus strand). VCF-style: chr18-70166153-C-G. GRCh37 (hg19) VCF-style: chr18-67833389-C-G.
Other names: c.-810G>C (NM_001318520.2); short protein forms G613A.
Identifiers: ClinVar variation 1308871 (VCV001308871.2), dbSNP rs749520981, ClinGen allele CA8996069.

ClinVar aggregate classification (germline): Uncertain significance (1 of 4 stars; one submission).

gnomAD v4.1: 6 of 1,613,618 alleles (0.00037%); highest among the groups gnomAD compares: South Asian, 0.0066%; 1 homozygote.

Submission:

GeneDx
Classification: Uncertain significance. Last evaluated: 2019-10-07. Review status: criteria provided, single submitter. Criteria: GeneDx Variant Classification Process June 2021. Collection method: clinical testing. Allele origin: germline. Affected: yes.
Comment: In silico analysis, which includes protein predictors and evolutionary conservation, supports that this variant does not alter protein structure/function; Has not been previously published as pathogenic or benign to our knowledge